The following is an entry in ClinVar:

ClinVar aggregate classification (germline): Uncertain significance. Review status: criteria provided, multiple submitters, no conflicts (2 of 4 stars). 3 submissions from 3 submitters: Uncertain significance (3). Last evaluated 2025-02-09.

Conditions:
PCNT-related disorder. Also called: PCNT-related condition.

Allele frequency attached by ClinVar (database versions not stated): ExAC 0.00001; gnomAD 0.00001; gnomAD exomes 0.00001 and 0.00002; TOPMed 0.00001.

Submissions (3):

PreventionGenetics, part of Exact Sciences
Classification: Uncertain significance for PCNT-related condition. Last evaluated: 2025-02-09. Review status: criteria provided, single submitter. Criteria: ACMG Guidelines, 2015. Collection method: clinical testing. Allele origin: germline.
Comment: The PCNT c.8989G>A variant is predicted to result in the amino acid substitution p.Val2997Met. To our knowledge, this variant has not been reported in the literature. This variant is reported in 0.0085% of alleles in individuals of African descent in gnomAD. At this time, the clinical significance of this variant is uncertain due to the absence of conclusive functional and genetic evidence.

Labcorp Genetics (formerly Invitae), Labcorp
Classification: Uncertain significance. Last evaluated: 2022-02-05. Review status: criteria provided, single submitter. Criteria: Invitae Variant Classification Sherloc (09022015). Collection method: clinical testing. Allele origin: germline.
Comment: This sequence change replaces valine, which is neutral and non-polar, with methionine, which is neutral and non-polar, at codon 2997 of the PCNT protein (p.Val2997Met). This variant is present in population databases (rs781469305, gnomAD 0.009%). This variant has not been reported in the literature in individuals affected with PCNT-related conditions. ClinVar contains an entry for this variant (Variation ID: 498522). Algorithms developed to predict the effect of missense changes on protein structure and function output the following: SIFT: "Tolerated"; PolyPhen-2: "Benign"; Align-GVGD: "Class C0". The methionine amino acid residue is found in multiple mammalian species, which suggests that this missense change does not adversely affect protein function. In summary, the available evidence is currently insufficient to determine the role of this variant in disease. Therefore, it has been classified as a Variant of Uncertain Significance.

Eurofins Ntd Llc (ga)
Classification: Uncertain significance. Last evaluated: 2016-11-22. Review status: criteria provided, single submitter. Criteria: EGL Classification Definitions 2015. Collection method: clinical testing. Allele origin: germline. Observed: 1 variant allele, 1 heterozygote.

NM_006031.6(PCNT):c.8989G>A (p.Val2997Met)

Gene: PCNT (pericentrin; plus strand). Cytogenetic location: 21q22.3.
Variant type: single nucleotide variant.
Coding change: c.8989G>A on transcript NM_006031.6 (MANE Select); coding-DNA position 8989, G replaced by A.
Protein change: p.Val2997Met; replaces valine 2997 with methionine.
Molecular consequence: missense variant.
Genome position (GRCh38, 1-based): chr21:46,436,141, G>A. VCF-style: chr21-46436141-G-A. GRCh37 (hg19) VCF-style: chr21-47856054-G-A.
Other names: c.8398G>A, p.Val2800Met (NM_001315529.2); c.8989G>A (NM_006031.5); short protein forms V2997M, V2800M.
Identifiers: ClinVar variation 498522 (VCV000498522.10), dbSNP rs781469305, ClinGen allele CA10081145.